The following is an entry in ClinVar:

NM_175737.4(KLB):c.2128G>A (p.Gly710Arg)

Gene: KLB (klotho beta; plus strand). Cytogenetic location: 4p14.
Variant type: single nucleotide variant.
Coding change: c.2128G>A on transcript NM_175737.4 (MANE Select); coding-DNA position 2128, G replaced by A.
Protein change: p.Gly710Arg; replaces glycine 710 with arginine.
Molecular consequence: missense variant.
Genome position (GRCh38, 1-based): chr4:39,446,854, G>A. VCF-style: chr4-39446854-G-A. GRCh37 (hg19) VCF-style: chr4-39448474-G-A.
Other names: short protein forms G710R.
Identifiers: ClinVar variation 2396069 (VCV002396069.4), dbSNP rs144449983, ClinGen allele CA2893946.

ClinVar aggregate classification (germline): Conflicting classifications of pathogenicity. Review status: criteria provided, conflicting classifications (1 of 4 stars). 2 submissions from 2 submitters: Uncertain significance (1); Likely benign (1). Last evaluated 2025-09-16.

Allele frequency attached by ClinVar (database versions not stated): 1000 Genomes Project 30x 0.00031; 1000 Genomes Project 0.00040; gnomAD exomes 0.00006; ESP Exome Variant Server 0.00023; gnomAD 0.00049.
gnomAD v4.1: 175 of 1,611,344 alleles (0.011%); highest among the groups gnomAD compares: African/African-American, 0.17%; no homozygotes.

Submissions (2):

Labcorp Genetics (formerly Invitae), Labcorp
Classification: Uncertain significance. Last evaluated: 2025-09-16. Review status: criteria provided, single submitter. Criteria: Invitae Variant Classification Sherloc (09022015). Collection method: clinical testing. Allele origin: germline.
Comment: This sequence change replaces glycine, which is neutral and non-polar, with arginine, which is basic and polar, at codon 710 of the KLB protein (p.Gly710Arg). This variant is present in population databases (rs144449983, gnomAD 0.2%), and has an allele count higher than expected for a pathogenic variant. This variant has not been reported in the literature in individuals affected with KLB-related conditions. ClinVar contains an entry for this variant (Variation ID: 2396069). Invitae Evidence Modeling of protein sequence and biophysical properties (such as structural, functional, and spatial information, amino acid conservation, physicochemical variation, residue mobility, and thermodynamic stability) indicates that this missense variant is not expected to disrupt KLB protein function with a negative predictive value of 80%. In summary, the available evidence is currently insufficient to determine the role of this variant in disease. Therefore, it has been classified as a Variant of Uncertain Significance.

Ambry Genetics
Classification: Likely benign. Last evaluated: 2021-10-27. Review status: criteria provided, single submitter. Criteria: Ambry Variant Classification Scheme 2023. Collection method: clinical testing. Allele origin: germline.